The following is an entry in ClinVar:

ClinVar aggregate classification (germline): Uncertain significance. Review status: criteria provided, multiple submitters, no conflicts (2 of 4 stars). 2 submissions from 2 submitters: Uncertain significance (2). Last evaluated 2024-09-06.

Conditions:
Hereditary cancer-predisposing syndrome. Also called: Neoplastic Syndromes, Hereditary; Hereditary Cancer Syndrome; Tumor predisposition; Hereditary neoplastic syndrome. Identifiers: Orphanet 140162, MedGen C0027672, MeSH D009386, MONDO:0015356.

Allele frequency attached by ClinVar (database versions not stated): gnomAD exomes below 0.00001.

Submissions (2):

Ambry Genetics
Classification: Uncertain significance for Hereditary cancer-predisposing syndrome. Last evaluated: 2024-09-06. Review status: criteria provided, single submitter. Criteria: Ambry Variant Classification Scheme 2023. Collection method: clinical testing. Allele origin: germline.
Comment: The p.Q170R variant (also known as c.509A>G), located in coding exon 1 of the HOXB13 gene, results from an A to G substitution at nucleotide position 509. The glutamine at codon 170 is replaced by arginine, an amino acid with highly similar properties. This amino acid position is highly conserved in available vertebrate species. In addition, this alteration is predicted to be deleterious by in silico analysis. Based on the available evidence, the clinical significance of this variant remains unclear.

Labcorp Genetics (formerly Invitae), Labcorp
Classification: Uncertain significance. Last evaluated: 2024-08-21. Review status: criteria provided, single submitter. Criteria: Invitae Variant Classification Sherloc (09022015). Collection method: clinical testing. Allele origin: germline.
Comment: This sequence change replaces glutamine, which is neutral and polar, with arginine, which is basic and polar, at codon 170 of the HOXB13 protein (p.Gln170Arg). This variant is present in population databases (no rsID available, gnomAD 0.01%). This variant has not been reported in the literature in individuals affected with HOXB13-related conditions. ClinVar contains an entry for this variant (Variation ID: 852172). Invitae Evidence Modeling of protein sequence and biophysical properties (such as structural, functional, and spatial information, amino acid conservation, physicochemical variation, residue mobility, and thermodynamic stability) indicates that this missense variant is not expected to disrupt HOXB13 protein function with a negative predictive value of 80%. In summary, the available evidence is currently insufficient to determine the role of this variant in disease. Therefore, it has been classified as a Variant of Uncertain Significance.

NM_006361.6(HOXB13):c.509A>G (p.Gln170Arg)

Gene: HOXB13 (homeobox B13; minus strand). Cytogenetic location: 17q21.32.
Variant type: single nucleotide variant.
Coding change: c.509A>G on transcript NM_006361.6 (MANE Select); coding-DNA position 509, A replaced by G.
Protein change: p.Gln170Arg; replaces glutamine 170 with arginine.
Molecular consequence: missense variant.
Genome position (GRCh38, 1-based): chr17:48,728,085, T>C on the plus strand (A>G on the coding strand, the complement: HOXB13 is on the minus strand). VCF-style: chr17-48728085-T-C. GRCh37 (hg19) VCF-style: chr17-46805447-T-C.
Other names: short protein forms Q170R.
Identifiers: ClinVar variation 852172 (VCV000852172.11), dbSNP rs1450415027, ClinGen allele CA400107303.
Genomic context (GRCh38, chr17:48,728,085, plus strand): 5'-GGGTTCTGTTCTCCCTGGCAACACATCTGGCTGTTCCAGCCACCAGCGAGAGCCCAAGAC[T>C]GGTAACTGTCCACAGGCAACAGGGAGTCATGTCGCGGTTCTCCAGGAGCACCCAGAGTCT-3'
Protein context (NP_006352.2, residues 160-180): HDSLLPVDSY[Gln170Arg]SWALAGGWNS